The following is an entry in ClinVar:

ClinVar aggregate classification (germline): Uncertain significance (1 of 4 stars; one submission).

Submission:

Labcorp Genetics (formerly Invitae), Labcorp
Classification: Uncertain significance. Last evaluated: 2025-09-03. Review status: criteria provided, single submitter. Criteria: Invitae Variant Classification Sherloc (09022015). Collection method: clinical testing. Allele origin: germline.
Comment: This sequence change replaces cysteine, which is neutral and slightly polar, with tyrosine, which is neutral and polar, at codon 111 of the FAR1 protein (p.Cys111Tyr). This variant is not present in population databases (gnomAD no frequency). This variant has not been reported in the literature in individuals affected with FAR1-related conditions. Invitae Evidence Modeling of protein sequence and biophysical properties (such as structural, functional, and spatial information, amino acid conservation, physicochemical variation, residue mobility, and thermodynamic stability) indicates that this missense variant is expected to disrupt FAR1 protein function with a positive predictive value of 80%. In summary, the available evidence is currently insufficient to determine the role of this variant in disease. Therefore, it has been classified as a Variant of Uncertain Significance.

NM_032228.6(FAR1):c.332G>A (p.Cys111Tyr)

Gene: FAR1 (fatty acyl-CoA reductase 1; plus strand). Cytogenetic location: 11p15.3.
Variant type: single nucleotide variant.
Coding change: c.332G>A on transcript NM_032228.6 (MANE Select); coding-DNA position 332, G replaced by A.
Protein change: p.Cys111Tyr; replaces cysteine 111 with tyrosine.
Molecular consequence: missense variant.
Genome position (GRCh38, 1-based): chr11:13,700,459, G>A. VCF-style: chr11-13700459-G-A. GRCh37 (hg19) VCF-style: chr11-13722006-G-A.
Other names: c.332G>A, p.Cys111Tyr (NM_001441242.1, NM_001441243.1, NM_001441244.1 and 6 more transcripts); short protein forms C111Y.
Identifiers: ClinVar variation 4744199 (VCV004744199.1).